The following is an entry in ClinVar:

ClinVar aggregate classification (germline): Uncertain significance (1 of 4 stars; one submission).

Submission:

GeneDx
Classification: Uncertain significance. Last evaluated: 2024-10-24. Review status: criteria provided, single submitter. Criteria: GeneDx Variant Classification Process June 2021. Collection method: clinical testing. Allele origin: germline. Affected: yes.
Comment: Not observed at significant frequency in large population cohorts (gnomAD); In silico analysis indicates that this missense variant does not alter protein structure/function; Has not been previously published as pathogenic or benign to our knowledge

NM_004523.4(KIF11):c.2060A>G (p.His687Arg)

Gene: KIF11 (kinesin family member 11; plus strand). Cytogenetic location: 10q23.33.
Variant type: single nucleotide variant.
Coding change: c.2060A>G on transcript NM_004523.4 (MANE Select); coding-DNA position 2060, A replaced by G.
Protein change: p.His687Arg; replaces histidine 687 with arginine.
Molecular consequence: missense variant.
Genome position (GRCh38, 1-based): chr10:92,637,445, A>G. VCF-style: chr10-92637445-A-G. GRCh37 (hg19) VCF-style: chr10-94397202-A-G.
Other names: short protein forms H687R.
Identifiers: ClinVar variation 3898914 (VCV003898914.1).
Genomic context (GRCh38, chr10:92,637,445, plus strand): 5'-AGATAGAAGATCAAAAAAAGGAACTAGATGGCTTTCTCAGTATACTGTGTAACAATCTAC[A>G]TGAACTACAAGAAAATACCATTTGTTCCTTGGTTGAGTCACAAAAGCAATGTGGAAACCT-3'
Protein context (NP_004514.2, residues 677-697): GFLSILCNNL[His687Arg]ELQENTICSL